The following is an entry in ClinVar:

NM_003873.7(NRP1):c.2696A>G (p.Tyr899Cys)

Gene: NRP1 (neuropilin 1; minus strand). Cytogenetic location: 10p11.22.
Variant type: single nucleotide variant.
Coding change: c.2696A>G on transcript NM_003873.7 (MANE Select); coding-DNA position 2696, A replaced by G.
Protein change: p.Tyr899Cys; replaces tyrosine 899 with cysteine.
Molecular consequence: missense variant. On other transcripts: non-coding transcript variant (1).
Genome position (GRCh38, 1-based): chr10:33,180,152, T>C on the plus strand (A>G on the coding strand, the complement: NRP1 is on the minus strand). VCF-style: chr10-33180152-T-C. GRCh37 (hg19) VCF-style: chr10-33469080-T-C.
Other names: c.2678A>G, p.Tyr893Cys (NM_001244972.2); c.2675A>G, p.Tyr892Cys (NM_001244973.2); c.2645A>G, p.Tyr882Cys (NM_001330068.2); short protein forms Y882C, Y892C, Y893C, Y899C.
Identifiers: ClinVar variation 2635875 (VCV002635875.3), dbSNP rs769226149, ClinGen allele CA5466104.

ClinVar aggregate classification (germline): Uncertain significance. Review status: criteria provided, single submitter (1 of 4 stars). 2 submissions from 2 submitters: Uncertain significance (1). 1 of the submissions does not count toward it. Last evaluated 2025-06-24.

Conditions:
NRP1-related disorder. Also called: NRP1-related condition.

Allele frequency attached by ClinVar (database versions not stated): gnomAD exomes 0.00002; gnomAD 0.00001; ExAC 0.00002.
gnomAD v4.1: 30 of 1,614,070 alleles (0.0019%); highest among the groups gnomAD compares: Non-Finnish European, 0.0025%; no homozygotes.

Submissions (2):

Ambry Genetics
Classification: Uncertain significance. Last evaluated: 2025-06-24. Review status: criteria provided, single submitter. Criteria: Ambry Variant Classification Scheme 2023. Collection method: clinical testing. Allele origin: germline.

PreventionGenetics, part of Exact Sciences
Classification: Uncertain significance for NRP1-related condition. Last evaluated: 2024-03-11. Review status: no assertion criteria provided. Collection method: clinical testing. Allele origin: germline. Not counted in ClinVar's aggregate classification.
Comment: The NRP1 c.2696A>G variant is predicted to result in the amino acid substitution p.Tyr899Cys. To our knowledge, this variant has not been reported in the literature. This variant is reported in 0.0035% of alleles in individuals of European (Non-Finnish) descent in gnomAD. At this time, the clinical significance of this variant is uncertain due to the absence of conclusive functional and genetic evidence.